The following is an entry in ClinVar:

ClinVar aggregate classification (germline): Uncertain significance. Review status: criteria provided, multiple submitters, no conflicts (2 of 4 stars). 2 submissions from 2 submitters: Uncertain significance (2). Last evaluated 2026-07-06.

Conditions:
Hereditary cancer-predisposing syndrome. Also called: Hereditary Cancer Syndrome; Hereditary neoplastic syndrome; Neoplastic Syndromes, Hereditary; Tumor predisposition. Identifiers: Orphanet 140162, MedGen C0027672, MeSH D009386, MONDO:0015356.

Submissions (2):

Ambry Genetics
Classification: Uncertain significance for Hereditary cancer-predisposing syndrome. Last evaluated: 2026-07-06. Review status: criteria provided, single submitter. Criteria: Ambry Variant Classification Scheme 2023. Collection method: clinical testing. Allele origin: germline.
Comment: The p.M524I variant (also known as c.1572G>A), located in coding exon 11 of the BMPR1A gene, results from a G to A substitution at nucleotide position 1572. The methionine at codon 524 is replaced by isoleucine, an amino acid with highly similar properties. This amino acid position is conserved. In addition, the in silico prediction for this alteration is inconclusive. Based on the available evidence, the clinical significance of this variant remains unclear.

Women's Health and Genetics/Laboratory Corporation of America, LabCorp
Classification: Uncertain significance. Last evaluated: 2025-05-27. Review status: criteria provided, single submitter. Criteria: LabCorp Variant Classification Summary - May 2015. Collection method: clinical testing. Allele origin: germline.
Comment: Variant summary: BMPR1A c.1572G>A (p.Met524Ile) results in a conservative amino acid change in the encoded protein sequence. Algorithms developed to predict the effect of missense changes on protein structure and function are either unavailable or do not agree on the potential impact of this missense change. The variant was absent in 251362 control chromosomes. The available data on variant occurrences in the general population are insufficient to allow any conclusion about variant significance. To our knowledge, no occurrence of c.1572G>A in individuals affected with Juvenile Polyposis Syndrome and no experimental evidence demonstrating its impact on protein function have been reported. No submitters have cited clinical-significance assessments for this variant to ClinVar. Based on the evidence outlined above, the variant was classified as uncertain significance.

NM_004329.3(BMPR1A):c.1572G>A (p.Met524Ile)

Gene: BMPR1A (bone morphogenetic protein receptor type 1A; plus strand). Cytogenetic location: 10q23.2.
Variant type: single nucleotide variant.
Coding change: c.1572G>A on transcript NM_004329.3 (MANE Select); coding-DNA position 1572, G replaced by A.
Protein change: p.Met524Ile; replaces methionine 524 with isoleucine.
Molecular consequence: missense variant. On other transcripts: non-coding transcript variant (3).
Genome position (GRCh38, 1-based): chr10:86,923,692, G>A. VCF-style: chr10-86923692-G-A. GRCh37 (hg19) VCF-style: chr10-88683449-G-A.
Other names: c.1572G>A, p.Met524Ile (NM_001406570.1, NM_001406571.1, NM_001406572.1 and 19 more transcripts); c.1647G>A, p.Met549Ile (NM_001406559.1); c.1620G>A, p.Met540Ile (NM_001406560.1); c.1566G>A, p.Met522Ile (NM_001406583.1); c.1488G>A, p.Met496Ile (NM_001406584.1, NM_001406585.1, NM_001406586.1 and 2 more transcripts); c.1230G>A, p.Met410Ile (NM_001406589.1); short protein forms M410I, M496I, M522I, M524I, M540I, M549I.
Identifiers: ClinVar variation 3902662 (VCV003902662.2).